The following is an entry in ClinVar:

ClinVar aggregate classification (germline): Likely benign. Review status: criteria provided, multiple submitters, no conflicts (2 of 4 stars). 3 submissions from 3 submitters: Likely benign (3). Last evaluated 2025-07-29.

Conditions:
Nephronophthisis 15 (NPHP15). Identifiers: Orphanet 3156, MedGen C3541853, MONDO:0013917, OMIM 614845.
CEP164-related disorder. Also called: CEP164-related condition.

Allele frequency attached by ClinVar (database versions not stated): gnomAD 0.00001; gnomAD exomes 0.00001; ExAC 0.00002.
gnomAD v4.1: 17 of 1,614,000 alleles (0.0011%); highest among the groups gnomAD compares: Middle Eastern, 0.016%; no homozygotes.

Submissions (3):

Labcorp Genetics (formerly Invitae), Labcorp
Classification: Likely benign for Nephronophthisis 15. Last evaluated: 2025-07-29. Review status: criteria provided, single submitter. Criteria: Invitae Variant Classification Sherloc (09022015). Collection method: clinical testing. Allele origin: germline.

PreventionGenetics, part of Exact Sciences
Classification: Likely benign for CEP164-related condition. Last evaluated: 2024-12-05. Review status: criteria provided, single submitter. Criteria: ACMG Guidelines, 2015. Collection method: clinical testing. Allele origin: germline.
Comment: This variant is classified as likely benign based on ACMG/AMP sequence variant interpretation guidelines (Richards et al. 2015 PMID: 25741868, with internal and published modifications).

Blueprint Genetics
Classification: Likely benign. Last evaluated: 2021-11-25. Review status: criteria provided, single submitter. Criteria: ACMG Guidelines, 2015. Collection method: clinical testing. Allele origin: germline.

NM_014956.5(CEP164):c.2469T>C (p.Tyr823=)

Gene: CEP164 (centrosomal protein 164; plus strand). Cytogenetic location: 11q23.3.
Variant type: single nucleotide variant.
Coding change: c.2469T>C on transcript NM_014956.5 (MANE Select); coding-DNA position 2469, T replaced by C.
Protein change: p.Tyr823=; no amino-acid change (tyrosine 823 retained).
Molecular consequence: synonymous variant.
Genome position (GRCh38, 1-based): chr11:117,392,603, T>C. VCF-style: chr11-117392603-T-C. GRCh37 (hg19) VCF-style: chr11-117263319-T-C.
Other names: c.2478T>C, p.Tyr826= (NM_001271933.2); c.2469T>C (NM_014956.4).
Identifiers: ClinVar variation 1596290 (VCV001596290.10), dbSNP rs779997647, ClinGen allele CA6295071.